The following is an entry in ClinVar:

ClinVar aggregate classification (germline): Uncertain significance (1 of 4 stars; one submission).

gnomAD v4.1: 10 of 1,614,078 alleles (0.00062%); highest among the groups gnomAD compares: Non-Finnish European, 0.00085%; no homozygotes.

Submission:

Labcorp Genetics (formerly Invitae), Labcorp
Classification: Uncertain significance. Last evaluated: 2022-05-30. Review status: criteria provided, single submitter. Criteria: Invitae Variant Classification Sherloc (09022015). Collection method: clinical testing. Allele origin: germline.
Comment: Algorithms developed to predict the effect of missense changes on protein structure and function are either unavailable or do not agree on the potential impact of this missense change (SIFT: "Deleterious"; PolyPhen-2: "Probably Damaging"; Align-GVGD: "Class C0"). In summary, the available evidence is currently insufficient to determine the role of this variant in disease. Therefore, it has been classified as a Variant of Uncertain Significance. This variant has not been reported in the literature in individuals affected with MCM3AP-related conditions. This variant is not present in population databases (gnomAD no frequency). This sequence change replaces proline, which is neutral and non-polar, with alanine, which is neutral and non-polar, at codon 900 of the MCM3AP protein (p.Pro900Ala).

NM_003906.5(MCM3AP):c.2698C>G (p.Pro900Ala)

Gene: MCM3AP (minichromosome maintenance complex component 3 associated protein; minus strand). Cytogenetic location: 21q22.3.
Variant type: single nucleotide variant.
Coding change: c.2698C>G on transcript NM_003906.5 (MANE Select); coding-DNA position 2698, C replaced by G.
Protein change: p.Pro900Ala; replaces proline 900 with alanine.
Molecular consequence: missense variant.
Genome position (GRCh38, 1-based): chr21:46,267,073, G>C on the plus strand (C>G on the coding strand, the complement: MCM3AP is on the minus strand). VCF-style: chr21-46267073-G-C. GRCh37 (hg19) VCF-style: chr21-47686987-G-C.
Other names: short protein forms P900A.
Identifiers: ClinVar variation 1946846 (VCV001946846.5), dbSNP rs761686752, ClinGen allele CA410564061.
Genomic context (GRCh38, chr21:46,267,073, plus strand): 5'-GGAAGTCGGTGGCCTCTTCACAGTCTCTGAACAGCAGCATGCGCACCACACCATCCAGGG[G>C]AAAGATGGTAGATCGCTGTGTGCTCACCGTGTACGCAAAGTTGAGCGCCCGGAGAGCATC-3'
Protein context (NP_003897.2, residues 890-910): TVSTQRSTIF[Pro900Ala]LDGVVRMLLF